The following is an entry in ClinVar:

NM_000062.3(SERPING1):c.472T>G (p.Ser158Ala)

Gene: SERPING1 (serpin family G member 1; plus strand). Cytogenetic location: 11q12.1.
Variant type: single nucleotide variant.
Coding change: c.472T>G on transcript NM_000062.3 (MANE Select); coding-DNA position 472, T replaced by G.
Protein change: p.Ser158Ala; replaces serine 158 with alanine.
Molecular consequence: missense variant.
Genome position (GRCh38, 1-based): chr11:57,600,299, T>G. VCF-style: chr11-57600299-T-G. GRCh37 (hg19) VCF-style: chr11-57367772-T-G.
Other names: c.472T>G, p.Ser158Ala (NM_001032295.2); short protein forms S158A.
Identifiers: ClinVar variation 4705436 (VCV004705436.1).

ClinVar aggregate classification (germline): Uncertain significance (1 of 4 stars; one submission).

Submission:

Labcorp Genetics (formerly Invitae), Labcorp
Classification: Uncertain significance. Last evaluated: 2025-12-10. Review status: criteria provided, single submitter. Criteria: Invitae Variant Classification Sherloc (09022015). Collection method: clinical testing. Allele origin: germline.
Comment: This sequence change replaces serine, which is neutral and polar, with alanine, which is neutral and non-polar, at codon 158 of the SERPING1 protein (p.Ser158Ala). This variant is not present in population databases (gnomAD no frequency). This variant has not been reported in the literature in individuals affected with SERPING1-related conditions. An algorithm developed to predict the effect of missense changes on protein structure and function outputs the following: PolyPhen-2: "Benign". The alanine amino acid residue is found in multiple mammalian species, which suggests that this missense change does not adversely affect protein function. In summary, the available evidence is currently insufficient to determine the role of this variant in disease. Therefore, it has been classified as a Variant of Uncertain Significance.